The following is an entry in ClinVar:

ClinVar aggregate classification (germline): Uncertain significance. Review status: criteria provided, multiple submitters, no conflicts (2 of 4 stars). 2 submissions from 2 submitters: Uncertain significance (2). Last evaluated 2025-05-06.

Conditions:
Primary ciliary dyskinesia. Also called: Ciliary dyskinesia. Identifiers: Orphanet 244, MedGen C0008780, MONDO:0016575, HP:0012265.

Allele frequency attached by ClinVar (database versions not stated): ExAC 0.00002; gnomAD 0.00004; ESP Exome Variant Server 0.00008.
gnomAD v4.1: 27 of 1,614,022 alleles (0.0017%); highest among the groups gnomAD compares: Admixed American, 0.0017%; no homozygotes.

Submissions (2):

Ambry Genetics
Classification: Uncertain significance for Primary ciliary dyskinesia. Last evaluated: 2025-05-06. Review status: criteria provided, single submitter. Criteria: Ambry Variant Classification Scheme 2023. Collection method: clinical testing. Allele origin: germline.

Labcorp Genetics (formerly Invitae), Labcorp
Classification: Uncertain significance for Primary ciliary dyskinesia. Last evaluated: 2021-09-01. Review status: criteria provided, single submitter. Criteria: Invitae Variant Classification Sherloc (09022015). Collection method: clinical testing. Allele origin: germline.
Comment: This sequence change replaces glycine with glutamic acid at codon 490 of the DNAI1 protein (p.Gly490Glu). The glycine residue is moderately conserved and there is a moderate physicochemical difference between glycine and glutamic acid. This variant is present in population databases (rs377174043, ExAC 0.003%). This variant has not been reported in the literature in individuals affected with DNAI1-related conditions. Algorithms developed to predict the effect of missense changes on protein structure and function output the following: SIFT: "Tolerated"; PolyPhen-2: "Benign"; Align-GVGD: "Class C0". The glutamic acid amino acid residue is found in multiple mammalian species, which suggests that this missense change does not adversely affect protein function. In summary, the available evidence is currently insufficient to determine the role of this variant in disease. Therefore, it has been classified as a Variant of Uncertain Significance.

NM_012144.4(DNAI1):c.1469G>A (p.Gly490Glu)

Gene: DNAI1 (dynein axonemal intermediate chain 1; plus strand). Cytogenetic location: 9p13.3.
Variant type: single nucleotide variant.
Coding change: c.1469G>A on transcript NM_012144.4 (MANE Select); coding-DNA position 1469, G replaced by A.
Protein change: p.Gly490Glu; replaces glycine 490 with glutamic acid.
Molecular consequence: missense variant.
Genome position (GRCh38, 1-based): chr9:34,512,404, G>A. VCF-style: chr9-34512404-G-A. GRCh37 (hg19) VCF-style: chr9-34512402-G-A.
Other names: c.1481G>A, p.Gly494Glu (NM_001281428.2); short protein forms G490E, G494E.
Identifiers: ClinVar variation 1773312 (VCV001773312.5), dbSNP rs377174043, ClinGen allele CA5034408.
Genomic context (GRCh38, chr9:34,512,404, plus strand): 5'-TGGTTCACATAGATGTCATCAAGCTGAAGGTGGAAGGCAGCACCACGGAAGTTCCTGAGG[G>A]GTTGCAGCTGCACCCAGTGGGTAGGAGCCCCAGCCCTCTCACCTCCAGGCCTGGCCAGGT-3'
Protein context (NP_036276.1, residues 480-500): VEGSTTEVPE[Gly490Glu]LQLHPVGCGT